The following is an entry in ClinVar:

ClinVar aggregate classification (germline): Likely benign (1 of 4 stars; one submission).

Allele frequency attached by ClinVar (database versions not stated): ESP Exome Variant Server 0.00134; TOPMed 0.00238; gnomAD exomes 0.00247; gnomAD 0.00273; ExAC 0.00433; 1000 Genomes Project 30x 0.00687; 1000 Genomes Project 0.00699.
gnomAD v4.1: 3,852 of 1,500,426 alleles (0.26%); highest among the groups gnomAD compares: Middle Eastern, 1.5%; 21 homozygotes.

Submission:

CeGaT Center for Human Genetics Tuebingen
Classification: Likely benign. Last evaluated: 2023-05-01. Review status: criteria provided, single submitter. Criteria: CeGaT Center For Human Genetics Tuebingen Variant Classification Criteria Version 2. Collection method: clinical testing. Allele origin: germline. Affected: yes. Observed: 1 variant allele.
Comment: RNF39: BS2

NM_025236.4(RNF39):c.872A>G (p.Glu291Gly)

Gene: RNF39 (ring finger protein 39; minus strand). Cytogenetic location: 6p22.1.
Variant type: single nucleotide variant.
Coding change: c.872A>G on transcript NM_025236.4 (MANE Select); coding-DNA position 872, A replaced by G.
Protein change: p.Glu291Gly; replaces glutamic acid 291 with glycine.
Molecular consequence: missense variant. On other transcripts: intron variant (1).
Genome position (GRCh38, 1-based): chr6:30,071,298, T>C on the plus strand (A>G on the coding strand, the complement: RNF39 is on the minus strand). VCF-style: chr6-30071298-T-C. GRCh37 (hg19) VCF-style: chr6-30039075-T-C.
Other names: c.772-98A>G (NM_170769.3); short protein forms E291G.
Identifiers: ClinVar variation 2656332 (VCV002656332.24), dbSNP rs200705517, ClinGen allele CA3694354.